The following is an entry in ClinVar:

NM_001379291.1(BRD4):c.2084T>C (p.Met695Thr)

Gene: BRD4 (bromodomain containing 4; minus strand). Cytogenetic location: 19p13.12.
Variant type: single nucleotide variant.
Coding change: c.2084T>C on transcript NM_001379291.1 (MANE Select); coding-DNA position 2084, T replaced by C.
Protein change: p.Met695Thr; replaces methionine 695 with threonine.
Molecular consequence: missense variant.
Genome position (GRCh38, 1-based): chr19:15,254,226, A>G on the plus strand (T>C on the coding strand, the complement: BRD4 is on the minus strand). VCF-style: chr19-15254226-A-G. GRCh37 (hg19) VCF-style: chr19-15365037-A-G.
Other names: c.2084T>C, p.Met695Thr (NM_001330384.2, NM_001379292.1, NM_014299.3 and 1 more transcripts); short protein forms M695T.
Identifiers: ClinVar variation 3637976 (VCV003637976.2).

ClinVar aggregate classification (germline): Uncertain significance (1 of 4 stars; one submission).

gnomAD v4.1: 1 of 1,614,198 alleles (0.000062%); highest among the groups gnomAD compares: Non-Finnish European, 0.000085%; no homozygotes.

Submission:

Labcorp Genetics (formerly Invitae), Labcorp
Classification: Uncertain significance. Last evaluated: 2024-02-01. Review status: criteria provided, single submitter. Criteria: Invitae Variant Classification Sherloc (09022015). Collection method: clinical testing. Allele origin: germline.
Comment: This sequence change replaces methionine, which is neutral and non-polar, with threonine, which is neutral and polar, at codon 695 of the BRD4 protein (p.Met695Thr). This variant is not present in population databases (gnomAD no frequency). This variant has not been reported in the literature in individuals affected with BRD4-related conditions. Advanced modeling of protein sequence and biophysical properties (such as structural, functional, and spatial information, amino acid conservation, physicochemical variation, residue mobility, and thermodynamic stability) performed at Invitae indicates that this missense variant is not expected to disrupt BRD4 protein function with a negative predictive value of 80%. In summary, the available evidence is currently insufficient to determine the role of this variant in disease. Therefore, it has been classified as a Variant of Uncertain Significance.